The following is an entry in ClinVar:

ClinVar aggregate classification (germline): Uncertain significance (1 of 4 stars; one submission).

Conditions:
Megalencephaly-polymicrogyria-polydactyly-hydrocephalus syndrome 2 (MPPH2). Also called: MEGALENCEPHALY-POLYMICROGYRIA-POLYDACTYLY-HYDROCEPHALUS SYNDROME 2, SOMATIC. Identifiers: Orphanet 83473, MedGen C4014738, MONDO:0014407, OMIM 615937.

Submission:

Labcorp Genetics (formerly Invitae), Labcorp
Classification: Uncertain significance for Megalencephaly-polymicrogyria-polydactyly-hydrocephalus syndrome 2. Last evaluated: 2023-03-09. Review status: criteria provided, single submitter. Criteria: Invitae Variant Classification Sherloc (09022015). Collection method: clinical testing. Allele origin: unknown.
Comment: In summary, the available evidence is currently insufficient to determine the role of this variant in disease. Therefore, it has been classified as a Variant of Uncertain Significance. This variant has not been reported in the literature in individuals affected with AKT3-related conditions. This variant results in a copy number gain of the genomic region encompassing exon(s) 2-13 of the AKT3 gene. This region includes the termination codon of the gene. This copy number gain extends beyond the assayed region for this gene and therefore may encompass additional genes. As the precise location of this event is unknown, it may be in tandem or it may be located elsewhere in the genome.

NC_000001.10:g.(?_243303219)_(243859038_?)dup

Genes: AKT3 (AKT serine/threonine kinase 3; minus strand), CEP170 (centrosomal protein 170; minus strand), SDCCAG8 (SHH signaling and ciliogenesis regulator SDCCAG8; plus strand). Cytogenetic location: 1q43-44.
Variant type: Duplication.
Identifiers: ClinVar variation 3247845 (VCV003247845.1).